The following is an entry in ClinVar:

ClinVar aggregate classification (germline): Uncertain significance (1 of 4 stars; one submission).

Conditions:
Cardiovascular phenotype. Identifiers: MedGen CN230736.

Submission:

Ambry Genetics
Classification: Uncertain significance for Cardiovascular phenotype. Last evaluated: 2025-03-05. Review status: criteria provided, single submitter. Criteria: Ambry Variant Classification Scheme 2023. Collection method: clinical testing. Allele origin: germline.
Comment: The p.H40Q variant (also known as c.120C>A), located in coding exon 1 of the CBL gene, results from a C to A substitution at nucleotide position 120. The histidine at codon 40 is replaced by glutamine, an amino acid with highly similar properties. This amino acid position is conserved. In addition, the in silico prediction for this alteration is inconclusive. Based on the available evidence, the clinical significance of this variant remains unclear.

NM_005188.4(CBL):c.120C>A (p.His40Gln)

Genes: CBL (Cbl proto-oncogene; plus strand), LOC130006895 (ATAC-STARR-seq lymphoblastoid silent region 3975; plus strand). Cytogenetic location: 11q23.3.
Variant type: single nucleotide variant.
Coding change: c.120C>A on transcript NM_005188.4 (MANE Select); coding-DNA position 120, C replaced by A.
Protein change: p.His40Gln; replaces histidine 40 with glutamine.
Molecular consequence: missense variant.
Genome position (GRCh38, 1-based): chr11:119,206,537, C>A. VCF-style: chr11-119206537-C-A. GRCh37 (hg19) VCF-style: chr11-119077247-C-A.
Other names: short protein forms H40Q.
Identifiers: ClinVar variation 3827870 (VCV003827870.1).